The following is an entry in ClinVar:

ClinVar aggregate classification (germline): Uncertain significance (1 of 4 stars; one submission).

Submission:

Labcorp Genetics (formerly Invitae), Labcorp
Classification: Uncertain significance. Last evaluated: 2023-12-06. Review status: criteria provided, single submitter. Criteria: Invitae Variant Classification Sherloc (09022015). Collection method: clinical testing. Allele origin: germline.
Comment: This sequence change replaces glutamic acid, which is acidic and polar, with glycine, which is neutral and non-polar, at codon 1901 of the SCN3A protein (p.Glu1901Gly). This variant is not present in population databases (gnomAD no frequency). This variant has not been reported in the literature in individuals affected with SCN3A-related conditions. Advanced modeling of protein sequence and biophysical properties (such as structural, functional, and spatial information, amino acid conservation, physicochemical variation, residue mobility, and thermodynamic stability) has been performed at Invitae for this missense variant, however the output from this modeling did not meet the statistical confidence thresholds required to predict the impact of this variant on SCN3A protein function. In summary, the available evidence is currently insufficient to determine the role of this variant in disease. Therefore, it has been classified as a Variant of Uncertain Significance.

NM_006922.4(SCN3A):c.5702A>G (p.Glu1901Gly)

Gene: SCN3A (sodium voltage-gated channel alpha subunit 3; minus strand). Cytogenetic location: 2q24.3.
Variant type: single nucleotide variant.
Coding change: c.5702A>G on transcript NM_006922.4 (MANE Select); coding-DNA position 5702, A replaced by G.
Protein change: p.Glu1901Gly; replaces glutamic acid 1901 with glycine.
Molecular consequence: missense variant.
Genome position (GRCh38, 1-based): chr2:165,090,451, T>C on the plus strand (A>G on the coding strand, the complement: SCN3A is on the minus strand). VCF-style: chr2-165090451-T-C. GRCh37 (hg19) VCF-style: chr2-165946961-T-C.
Other names: c.5555A>G, p.Glu1852Gly (NM_001081676.2, NM_001081677.2); short protein forms E1852G, E1901G.
Identifiers: ClinVar variation 2840057 (VCV002840057.3), dbSNP rs2468037175, ClinGen allele CA349010116.